The following is an entry in ClinVar:

NM_001130823.3(DNMT1):c.2586G>A (p.Glu862=)

Gene: DNMT1 (DNA methyltransferase 1; minus strand). Cytogenetic location: 19p13.2.
Variant type: single nucleotide variant.
Coding change: c.2586G>A on transcript NM_001130823.3 (MANE Select); coding-DNA position 2586, G replaced by A.
Protein change: p.Glu862=; no amino-acid change (glutamic acid 862 retained).
Molecular consequence: synonymous variant.
Genome position (GRCh38, 1-based): chr19:10,149,453, C>T on the plus strand (G>A on the coding strand, the complement: DNMT1 is on the minus strand). VCF-style: chr19-10149453-C-T. GRCh37 (hg19) VCF-style: chr19-10260129-C-T.
Other names: c.2538G>A, p.Glu846= (NM_001318730.2, NM_001379.4); c.2223G>A, p.Glu741= (NM_001318731.2).
Identifiers: ClinVar variation 860037 (VCV000860037.7), dbSNP rs1448971431, ClinGen allele CA505342572.

ClinVar aggregate classification (germline): Uncertain significance (1 of 4 stars; one submission).

Conditions:
Hereditary sensory neuropathy-deafness-dementia syndrome. Also called: NEUROPATHY, HEREDITARY SENSORY, WITH HEARING LOSS AND DEMENTIA; Hereditary sensory neuropathy type IE; HSN IE; Hereditary Sensory and Autonomic Neuropathy Type 1E (HSAN1E). Identifiers: Orphanet 456318, MedGen C3279885, MONDO:0013584, OMIM 614116.

Allele frequency attached by ClinVar (database versions not stated): TOPMed below 0.00001; gnomAD exomes 0.00001.
gnomAD v4.1: 20 of 1,614,148 alleles (0.0012%); highest among the groups gnomAD compares: Non-Finnish European, 0.0017%; no homozygotes.

Submission:

Labcorp Genetics (formerly Invitae), Labcorp
Classification: Uncertain significance for Hereditary sensory neuropathy-deafness-dementia syndrome. Last evaluated: 2019-12-28. Review status: criteria provided, single submitter. Criteria: Invitae Variant Classification Sherloc (09022015). Collection method: clinical testing. Allele origin: germline.
Comment: This sequence change affects codon 862 of the DNMT1 mRNA. It is a 'silent' change, meaning that it does not change the encoded amino acid sequence of the DNMT1 protein. This variant also falls at the last nucleotide of exon 26 of the DNMT1 coding sequence, which is part of the consensus splice site for this exon. This variant is not present in population databases (ExAC no frequency). This variant has not been reported in the literature in individuals with DNMT1-related conditions. Nucleotide substitutions within the consensus splice site are a relatively common cause of aberrant splicing (PMID: 17576681, 9536098). Algorithms developed to predict the effect of sequence changes on RNA splicing suggest that this variant may disrupt the consensus splice site, but this prediction has not been confirmed by published transcriptional studies. In summary, the available evidence is currently insufficient to determine the role of this variant in disease. Therefore, it has been classified as a Variant of Uncertain Significance.

Literature cited by the submitters: PubMed 17576681; PubMed 9536098.